The following is an entry in ClinVar:

NM_001353345.2(SETD1B):c.5691C>T (p.Cys1897=)

Gene: SETD1B (SET domain containing 1B, histone lysine methyltransferase; plus strand). Cytogenetic location: 12q24.31.
Variant type: single nucleotide variant.
Coding change: c.5691C>T on transcript NM_001353345.2 (MANE Select); coding-DNA position 5691, C replaced by T.
Protein change: p.Cys1897=; no amino-acid change (cysteine 1897 retained).
Molecular consequence: synonymous variant.
Genome position (GRCh38, 1-based): chr12:121,828,034, C>T. VCF-style: chr12-121828034-C-T. GRCh37 (hg19) VCF-style: chr12-122265940-C-T.
Other names: NM_015048.1:c.5562C>T.
Identifiers: ClinVar variation 3040548 (VCV003040548.2), dbSNP rs769929820, ClinGen allele CA6839329.

ClinVar aggregate classification (germline): Likely benign (0 of 4 stars; one submission).

Conditions:
SETD1B-related disorder. Also called: SETD1B-related condition.

Allele frequency attached by ClinVar (database versions not stated): gnomAD 0.00001; gnomAD exomes 0.00002; TOPMed 0.00002; ExAC 0.00004.
gnomAD v4.1: 22 of 1,552,160 alleles (0.0014%); highest among the groups gnomAD compares: Middle Eastern, 0.017%; no homozygotes.

Submission:

PreventionGenetics, part of Exact Sciences
Classification: Likely benign for SETD1B-related condition. Last evaluated: 2019-10-28. Review status: no assertion criteria provided. Collection method: clinical testing. Allele origin: germline.
Comment: This variant is classified as likely benign based on ACMG/AMP sequence variant interpretation guidelines (Richards et al. 2015 PMID: 25741868, with internal and published modifications).